The following is an entry in ClinVar:

ClinVar aggregate classification (germline): Uncertain significance (1 of 4 stars; one submission).

Conditions:
Menkes kinky-hair syndrome (MNK). Also called: Copper transport disease; Menkes Disease; Classic Menkes Disease. Identifiers: Orphanet 565, MedGen C0022716, MONDO:0010651, OMIM 309400.
X-linked distal spinal muscular atrophy type 3. Also called: ATP7A-Related Distal Motor Neuropathy; SPINAL MUSCULAR ATROPHY, DISTAL, X-LINKED RECESSIVE; NEURONOPATHY, DISTAL HEREDITARY MOTOR, X-LINKED; NEUROPATHY, DISTAL HEREDITARY MOTOR, X-LINKED. Identifiers: Orphanet 139557, MedGen C1845359, MONDO:0010338, OMIM 300489.
Cutis laxa, X-linked (OHS). Also called: EDS IX; Occipital horn syndrome. Identifiers: Orphanet 198, MedGen C0268353, MONDO:0010572, OMIM 304150.

Submission:

Labcorp Genetics (formerly Invitae), Labcorp
Classification: Uncertain significance for X-linked distal spinal muscular atrophy type 3; Cutis laxa, X-linked; Menkes kinky-hair syndrome. Last evaluated: 2021-12-27. Review status: criteria provided, single submitter. Criteria: Invitae Variant Classification Sherloc (09022015). Collection method: clinical testing. Allele origin: germline.
Comment: This variant has not been reported in the literature in individuals affected with ATP7A-related conditions. This variant is not present in population databases (gnomAD no frequency). This sequence change replaces threonine, which is neutral and polar, with asparagine, which is neutral and polar, at codon 1254 of the ATP7A protein (p.Thr1254Asn). Advanced modeling of protein sequence and biophysical properties (such as structural, functional, and spatial information, amino acid conservation, physicochemical variation, residue mobility, and thermodynamic stability) performed at Invitae indicates that this missense variant is expected to disrupt ATP7A protein function. In summary, the available evidence is currently insufficient to determine the role of this variant in disease. Therefore, it has been classified as a Variant of Uncertain Significance.

NM_000052.7(ATP7A):c.3761C>A (p.Thr1254Asn)

Gene: ATP7A (ATPase copper transporting alpha; plus strand). Cytogenetic location: Xq21.1.
Variant type: single nucleotide variant.
Coding change: c.3761C>A on transcript NM_000052.7 (MANE Select); coding-DNA position 3761, C replaced by A.
Protein change: p.Thr1254Asn; replaces threonine 1254 with asparagine.
Molecular consequence: missense variant. On other transcripts: non-coding transcript variant (1).
Genome position (GRCh38, 1-based): chrX:78,040,693, C>A. VCF-style: chrX-78040693-C-A. GRCh37 (hg19) VCF-style: chrX-77296191-C-A.
Other names: c.3527C>A, p.Thr1176Asn (NM_001282224.2); short protein forms T1176N, T1254N.
Identifiers: ClinVar variation 2063185 (VCV002063185.4), dbSNP rs2522414619, ClinGen allele CA413604910.